The following is an entry in ClinVar:

NM_006516.4(SLC2A1):c.1278+6A>T

Gene: SLC2A1 (solute carrier family 2 member 1; minus strand). Cytogenetic location: 1p34.2.
Variant type: single nucleotide variant.
Coding change: c.1278+6A>T on transcript NM_006516.4 (MANE Select); 6 bases into the intron after coding-DNA position 1278, A replaced by T.
Molecular consequence: intron variant.
Genome position (GRCh38, 1-based): chr1:42,927,599, T>A on the plus strand (A>T on the coding strand, the complement: SLC2A1 is on the minus strand). VCF-style: chr1-42927599-T-A. GRCh37 (hg19) VCF-style: chr1-43393270-T-A.
Identifiers: ClinVar variation 2150551 (VCV002150551.4), dbSNP rs768317196, ClinGen allele CA803322.

ClinVar aggregate classification (germline): Uncertain significance (1 of 4 stars; one submission).

Conditions:
GLUT1 deficiency syndrome 1, autosomal recessive. Identifiers: MedGen C3149117.

Allele frequency attached by ClinVar (database versions not stated): TOPMed below 0.00001; ExAC 0.00001; gnomAD 0.00001.
gnomAD v4.1: 1 of 1,588,830 alleles (0.000063%); highest among the groups gnomAD compares: African/African-American, 0.0014%; no homozygotes.

Submission:

Labcorp Genetics (formerly Invitae), Labcorp
Classification: Uncertain significance for GLUT1 deficiency syndrome 1, autosomal recessive. Last evaluated: 2022-05-26. Review status: criteria provided, single submitter. Criteria: Invitae Variant Classification Sherloc (09022015). Collection method: clinical testing. Allele origin: germline.
Comment: In summary, the available evidence is currently insufficient to determine the role of this variant in disease. Therefore, it has been classified as a Variant of Uncertain Significance. Variants that disrupt the consensus splice site are a relatively common cause of aberrant splicing (PMID: 17576681, 9536098). Algorithms developed to predict the effect of sequence changes on RNA splicing suggest that this variant is not likely to affect RNA splicing. This variant has not been reported in the literature in individuals affected with SLC2A1-related conditions. This variant is present in population databases (rs768317196, gnomAD 0.007%). This sequence change falls in intron 9 of the SLC2A1 gene. It does not directly change the encoded amino acid sequence of the SLC2A1 protein. It affects a nucleotide within the consensus splice site.

Literature cited by the submitters: PubMed 17576681; PubMed 9536098.